The following is an entry in ClinVar:

ClinVar aggregate classification (germline): not provided. Review status: no classification provided (0 of 4 stars). 2 submissions from 1 submitter: not provided (2).

Conditions:
Preeclampsia. Identifiers: Orphanet 275555, MedGen C0032914, MONDO:0005081, HP:0100602.
Small for gestational age. Also called: Low birth weight. Identifiers: MedGen C0235991, HP:0001518.

Submissions (2):

Institute of Molecular and Cell Biology, University of Tartu
No classification provided. Condition: Preeclampsia. Review status: no classification provided. Collection method: case-control. Allele origin: unknown. Affected: yes. Study: Kasak2014.
Comment: The study aimed to determine the contribution of copy number variants in the genetic etiology of normal and complicated pregnancies. The samples represented (i) maternal blood DNA drawn from healthy pregnant women during 1st or 2nd trimester and (ii) maternal and paternal blood DNA drawn at term pregnancy cases representing normal and complicated gestations (severe preeclampsia, PE; gestational diabetes, GD; small-for-gestational age newborn, SGA; large-for-gestational age newborn, LGA). We performed CNV calling based on genome-wide genotyping dataset (Illumina HumanOmniExpress-24-v1 BeadChip) by applying three algorithms, QuantiSNP, GADA (Genome Alteration Detection Algorithm) and CNstream in parallel. The acquired CNV calls were merged with HD-CNV (Hotspot Detector for Copy Number Variants) program and only the CNVs predicted by at least two programs, were considered in subsequent analysis.

Institute of Molecular and Cell Biology, University of Tartu
No classification provided. Condition: Small for gestational age. Review status: no classification provided. Collection method: case-control. Allele origin: unknown. Affected: yes. Study: Kasak2014.
Comment: the same text as in the submission from Institute of Molecular and Cell Biology, University of Tartu above.

Literature cited by the submitters: PubMed 25666259.

Single allele

Genes: PSG1 (pregnancy specific beta-1-glycoprotein 1; minus strand), PSG11 (pregnancy specific beta-1-glycoprotein 11; minus strand), PSG6 (pregnancy specific beta-1-glycoprotein 6; minus strand), PSG7 (pregnancy specific beta-1-glycoprotein 7; minus strand). Cytogenetic location: 19q13.2-13.31.
Variant type: Deletion.
Identifiers: ClinVar variation 157447 (VCV000157447.2).